The following is an entry in ClinVar:

ClinVar aggregate classification (germline): Uncertain significance. Review status: criteria provided, multiple submitters, no conflicts (2 of 4 stars). 3 submissions from 3 submitters: Uncertain significance (3). Last evaluated 2025-12-02.

Conditions:
Inborn genetic diseases. Identifiers: MedGen C0950123, MeSH D030342.

Allele frequency attached by ClinVar (database versions not stated): gnomAD exomes 0.00002 and 0.00004; TOPMed 0.00006; ExAC 0.00007; ESP Exome Variant Server 0.00008; gnomAD 0.00011 and 0.00012.
gnomAD v4.1: 48 of 1,613,908 alleles (0.003%); highest among the groups gnomAD compares: African/African-American, 0.045%; no homozygotes.

Submissions (3):

Labcorp Genetics (formerly Invitae), Labcorp
Classification: Uncertain significance. Last evaluated: 2025-12-02. Review status: criteria provided, single submitter. Criteria: Invitae Variant Classification Sherloc (09022015). Collection method: clinical testing. Allele origin: germline.
Comment: This sequence change replaces asparagine, which is neutral and polar, with serine, which is neutral and polar, at codon 563 of the ATP6V1A protein (p.Asn563Ser). This variant is present in population databases (rs375296671, gnomAD 0.05%). This variant has not been reported in the literature in individuals affected with ATP6V1A-related conditions. ClinVar contains an entry for this variant (Variation ID: 1506696). An algorithm developed to predict the effect of missense changes on protein structure and function outputs the following: PolyPhen-2: "Benign". The serine amino acid residue is found in multiple mammalian species, which suggests that this missense change does not adversely affect protein function. In summary, the available evidence is currently insufficient to determine the role of this variant in disease. Therefore, it has been classified as a Variant of Uncertain Significance.

Ambry Genetics
Classification: Uncertain significance for Inborn genetic diseases. Last evaluated: 2024-10-06. Review status: criteria provided, single submitter. Criteria: Ambry Variant Classification Scheme 2023. Collection method: clinical testing. Allele origin: germline.

Revvity Omics, Revvity
Classification: Uncertain significance. Last evaluated: 2020-03-31. Review status: criteria provided, single submitter. Criteria: ACMG Guidelines, 2015. Collection method: clinical testing. Allele origin: germline.

NM_001690.4(ATP6V1A):c.1688A>G (p.Asn563Ser)

Gene: ATP6V1A (ATPase H+ transporting V1 subunit A; plus strand). Cytogenetic location: 3q13.31.
Variant type: single nucleotide variant.
Coding change: c.1688A>G on transcript NM_001690.4 (MANE Select); coding-DNA position 1688, A replaced by G.
Protein change: p.Asn563Ser; replaces asparagine 563 with serine.
Molecular consequence: missense variant.
Genome position (GRCh38, 1-based): chr3:113,805,452, A>G. VCF-style: chr3-113805452-A-G. GRCh37 (hg19) VCF-style: chr3-113524299-A-G.
Other names: c.1688A>G (NM_001690.3); short protein forms N563S.
Identifiers: ClinVar variation 1506696 (VCV001506696.8), dbSNP rs375296671, ClinGen allele CA2548139.
Genomic context (GRCh38, chr3:113,805,452, plus strand): 5'-ACATGATTGCATTTTATGATATGGCTCGTAGAGCTGTTGAAACCACTGCCCAGAGTGACA[A>G]TAAAATCACATGGTCCATTATTCGTGAGCACATGGGAGACATCCTCTATAAACTTTCCTC-3'
Protein context (NP_001681.2, residues 553-573): RAVETTAQSD[Asn563Ser]KITWSIIREH